The following is an entry in ClinVar:

ClinVar aggregate classification (germline): Uncertain significance. Review status: criteria provided, multiple submitters, no conflicts (2 of 4 stars). 3 submissions from 3 submitters: Uncertain significance (3). Last evaluated 2023-02-10.

Conditions:
Alstrom syndrome (ALMS). Identifiers: Orphanet 64, MedGen C0268425, MONDO:0008763, OMIM 203800.

Allele frequency attached by ClinVar (database versions not stated): ExAC 0.00001; gnomAD exomes 0.00001 and 0.00002; TOPMed 0.00001.
gnomAD v4.1: 4 of 1,613,832 alleles (0.00025%); highest among the groups gnomAD compares: Admixed American, 0.0067%; no homozygotes.

Submissions (3):

GeneDx
Classification: Uncertain significance. Last evaluated: 2023-02-10. Review status: criteria provided, single submitter. Criteria: GeneDx Variant Classification Process June 2021. Collection method: clinical testing. Allele origin: germline. Affected: yes.
Comment: Not observed at significant frequency in large population cohorts (gnomAD); In silico analysis supports that this missense variant does not alter protein structure/function; Has not been previously published as pathogenic or benign to our knowledge

Fulgent Genetics
Classification: Uncertain significance for Alstrom syndrome. Last evaluated: 2022-05-25. Review status: criteria provided, single submitter. Criteria: ACMG Guidelines, 2015. Collection method: clinical testing. Allele origin: unknown.

Labcorp Genetics (formerly Invitae), Labcorp
Classification: Uncertain significance for Alstrom syndrome. Last evaluated: 2022-03-14. Review status: criteria provided, single submitter. Criteria: Invitae Variant Classification Sherloc (09022015). Collection method: clinical testing. Allele origin: germline.
Comment: This sequence change replaces isoleucine, which is neutral and non-polar, with threonine, which is neutral and polar, at codon 1611 of the ALMS1 protein (p.Ile1611Thr). This variant is present in population databases (rs757356524, gnomAD 0.01%). This variant has not been reported in the literature in individuals affected with ALMS1-related conditions. Experimental studies and prediction algorithms are not available or were not evaluated, and the functional significance of this variant is currently unknown. In summary, the available evidence is currently insufficient to determine the role of this variant in disease. Therefore, it has been classified as a Variant of Uncertain Significance.

NM_001378454.1(ALMS1):c.4829T>C (p.Ile1610Thr)

Gene: ALMS1 (ALMS1 centrosome and basal body associated protein; plus strand). Cytogenetic location: 2p13.1.
Variant type: single nucleotide variant.
Coding change: c.4829T>C on transcript NM_001378454.1 (MANE Select); coding-DNA position 4829, T replaced by C.
Protein change: p.Ile1610Thr; replaces isoleucine 1610 with threonine.
Molecular consequence: missense variant.
Genome position (GRCh38, 1-based): chr2:73,451,356, T>C. VCF-style: chr2-73451356-T-C. GRCh37 (hg19) VCF-style: chr2-73678483-T-C.
Other names: c.4832T>C, p.Ile1611Thr (NM_015120.4); short protein forms I1611T, I1610T.
Identifiers: ClinVar variation 1400922 (VCV001400922.4), dbSNP rs757356524, ClinGen allele CA1713773.
Genomic context (GRCh38, chr2:73,451,356, plus strand): 5'-TACCTGAAGAGGCTCTGAAAGTTTCCATTGTTTCTGGACCTACTGAAAAAAAGACTGACA[T>C]ACCAGCAGGACCTTTAGGTTCCAGTGCACTTGGAGAGAAGCCCATTACTTTCTACCGGCA-3'
Protein context (NP_001365383.1, residues 1600-1620): VSGPTEKKTD[Ile1610Thr]PAGPLGSSAL